The following is an entry in ClinVar:

NM_001130987.2(DYSF):c.1439T>C (p.Leu480Pro)

Gene: DYSF (dysferlin; plus strand). Cytogenetic location: 2p13.2.
Variant type: single nucleotide variant.
Coding change: c.1439T>C on transcript NM_001130987.2 (MANE Select); coding-DNA position 1439, T replaced by C.
Protein change: p.Leu480Pro; replaces leucine 480 with proline.
Molecular consequence: missense variant.
Genome position (GRCh38, 1-based): chr2:71,535,079, T>C. VCF-style: chr2-71535079-T-C. GRCh37 (hg19) VCF-style: chr2-71762209-T-C.
Other names: NM_001130987.2(DYSF):c.1439T>C; p.Leu480Pro; c.1346T>C, p.Leu449Pro (NM_001130455.2, NM_001130983.2, NM_001130984.2 and 1 more transcripts); c.1343T>C, p.Leu448Pro (NM_001130976.2, NM_001130977.2, NM_001130978.2 and 1 more transcripts); c.1436T>C, p.Leu479Pro (NM_001130979.2, NM_001130980.2, NM_001130981.2); c.1439T>C, p.Leu480Pro (NM_001130982.2, NM_001130985.2); short protein forms L448P, L480P, L479P, L449P.
Identifiers: ClinVar variation 194354 (VCV000194354.9), dbSNP rs794727119, ClinGen allele CA240279.

ClinVar aggregate classification (germline): Pathogenic. Review status: reviewed by expert panel (3 of 4 stars). 5 submissions from 5 submitters: Pathogenic (1). 4 of the submissions do not count toward it. Last evaluated 2025-08-14.

Conditions:
Autosomal recessive limb-girdle muscular dystrophy. Identifiers: Orphanet 102015, MedGen C2931907, MONDO:0015152.
Autosomal recessive limb-girdle muscular dystrophy type 2B (LGMDR2). Also called: MUSCULAR DYSTROPHY, LIMB-GIRDLE, TYPE 3; Limb-girdle muscular dystrophy, type 2B; MUSCULAR DYSTROPHY, LIMB-GIRDLE, AUTOSOMAL RECESSIVE 2; Limb-Girdle Muscular Dystrophy Type 2B (LGMD2B). Identifiers: Orphanet 268, MedGen C1850889, MONDO:0009676, OMIM 253601.
Miyoshi muscular dystrophy 1 (MMD1). Identifiers: Orphanet 45448, MedGen C4551973, MONDO:0024545, OMIM 254130.

Allele frequency attached by ClinVar (database versions not stated): gnomAD exomes below 0.00001 and 0.00001; gnomAD 0.00001; TOPMed 0.00001.
gnomAD v4.1: 22 of 1,614,016 alleles (0.0014%); highest among the groups gnomAD compares: Non-Finnish European, 0.0018%; no homozygotes.

Submissions (5):

ClinGen Limb Girdle Muscular Dystrophy Variant Curation Expert Panel, ClinGen
Classification: Pathogenic for Autosomal recessive limb-girdle muscular dystrophy. Last evaluated: 2025-08-14. Review status: reviewed by expert panel. Criteria: ClinGen LGMD VCEP ACMG Specifications DYSF V2.0.0. Collection method: curation. Allele origin: germline. Inheritance: Autosomal recessive inheritance.
Comment: The NM_003494.4: c.1343T>C variant in DYSF, which is also known as NM_001130987.2: c.1439T>C p.(Leu480Pro), is a missense variant predicted to cause substitution of leucine by proline at amino acid 448, p.(Leu448Pro). This variant has been reported in at least five patients with suspected LGMD (PMID: 23519732, 27602406, 30564623), including in unknown phase with a pathogenic variant in two individuals (NM_003494.4: c.5836_5839del p.(Gln1946TrpfsTer19), 0.5 pts, PMID: 23519732; NM_003494.4: c.3444_3445delinsAA p.(Tyr1148Ter), 0.5 pts, PMID: 27602406) (PM3). At least one of these patients displayed progressive muscle weakness and reduced or absent dysferlin expression in muscle biopsy, which is highly specific for DYSF-related LGMD (PMID: 23519732, 27602406) (PP4_Strong). The filtering allele frequency of this variant is 0.000025627 (the upper bound of the 95% CI of 21/1180016 European (non-Finnish) chromosomes) in gnomAD v4.1.0, which is less than the ClinGen LGMD VCEP threshold (≤0.0001) (PM2_Supporting). Immunofluorescence and 2-A assays of dysferlin membrane localization in HEK293T cells showed the Leu448Pro protein did not reach the cell membrane, indicating an impact on protein function (PMID: 35028538) (PS3_Moderate). In addition, the computational predictor REVEL gives a score of 0.76, which is above the LGMD VCEP threshold of ≥0.70, evidence that correlates with impact to DYSF function (PP3). In summary, this variant meets the criteria to be classified as Pathogenic for autosomal recessive limb girdle muscular dystrophy based on the ACMG/AMP criteria applied, as specified by the ClinGen LGMD VCEP (LGMD VCEP specifications version 2.0.0; 08/14/2025): PM3, PP4_Strong, PS3_Moderate, PM2_Supporting, PP3.

Women's Health and Genetics/Laboratory Corporation of America, LabCorp
Classification: Uncertain significance. Last evaluated: 2025-02-17. Review status: criteria provided, single submitter. Criteria: LabCorp Variant Classification Summary - May 2015. Collection method: clinical testing. Allele origin: germline. Not counted in ClinVar's aggregate classification.
Comment: Variant summary: DYSF c.1343T>C (p.Leu448Pro) results in a non-conservative amino acid change located in the C2 domain (IPR000008) of the encoded protein sequence. Four of five in-silico tools predict a damaging effect of the variant on protein function. The variant allele was found at a frequency of 4e-06 in 251450 control chromosomes. c.1343T>C has been reported in the literature in individuals affected with Autosomal Recessive Limb-Girdle Muscular Dystrophy (e.g. Nilsson_2013, Harris_2016). These data indicate that the variant may be associated with disease. At least one publication examining tissue from a patient harboring the variant reports immunofluorescence microscopy results suggesting the variant may result in intracellular retention and reduced membrane expression of dysferlin, however, this finding does not allow convincing conclusions about the variant effect (Nilsson_2013). The following publications have been ascertained in the context of this evaluation (PMID: 27602406, 33610434, 23519732). ClinVar contains an entry for this variant (Variation ID: 194354). Based on the evidence outlined above, the variant was classified as VUS-possibly pathogenic.

Baylor Genetics
Classification: Pathogenic for Miyoshi muscular dystrophy 1. Last evaluated: 2023-07-18. Review status: criteria provided, single submitter. Criteria: ACMG Guidelines, 2015. Collection method: clinical testing. Allele origin: unknown. Not counted in ClinVar's aggregate classification.

Eurofins Ntd Llc (ga)
Classification: Uncertain significance. Last evaluated: 2016-06-22. Review status: criteria provided, single submitter. Criteria: EGL Classification Definitions 2015. Collection method: clinical testing. Allele origin: germline. Observed: 1 variant allele, 1 heterozygote. Not counted in ClinVar's aggregate classification.

Counsyl
Classification: Uncertain significance for Autosomal recessive limb-girdle muscular dystrophy type 2B. Last evaluated: 2018-05-15. Review status: no assertion criteria provided. Collection method: clinical testing. Allele origin: unknown. Not counted in ClinVar's aggregate classification.

Literature cited by the submitters: PubMed 27602406 (cited by Women's Health and Genetics/Laboratory Corporation of America, LabCorp and Counsyl); PubMed 33610434 (cited by Women's Health and Genetics/Laboratory Corporation of America, LabCorp); PubMed 23519732 (cited by Women's Health and Genetics/Laboratory Corporation of America, LabCorp and Counsyl).